The following is an entry in ClinVar:

ClinVar aggregate classification (germline): Conflicting classifications of pathogenicity. Review status: criteria provided, conflicting classifications (1 of 4 stars). 4 submissions from 4 submitters: Uncertain significance (1); Benign (1); Likely benign (1). 1 of the submissions does not count toward it. Last evaluated 2025-06-25.

Conditions:
Inborn genetic diseases. Identifiers: MedGen C0950123, MeSH D030342.
X-linked severe combined immunodeficiency (SCIDX1). Also called: X-Linked Combined Immunodeficiency Diseases; IMMUNODEFICIENCY 4; SCID, X-LINKED; SEVERE COMBINED IMMUNODEFICIENCY, X-LINKED, T CELL-NEGATIVE, B CELL-POSITIVE, NK CELL-NEGATIVE; T-B+ severe combined immunodeficiency due to gamma chain deficiency. Identifiers: Orphanet 276, MedGen C6022468, MONDO:0010315, OMIM 300400. Disease mechanism: loss of function.

Allele frequency attached by ClinVar (database versions not stated): ExAC 0.00002; gnomAD 0.00002; gnomAD exomes 0.00002 and 0.00005; TOPMed 0.00005.
gnomAD v4.1: 57 of 1,208,060 alleles (0.0047%); highest among the groups gnomAD compares: Middle Eastern, 0.023%; no homozygotes.

Submissions (4):

Labcorp Genetics (formerly Invitae), Labcorp
Classification: Benign for X-linked severe combined immunodeficiency. Last evaluated: 2025-06-25. Review status: criteria provided, single submitter. Criteria: Invitae Variant Classification Sherloc (09022015). Collection method: clinical testing. Allele origin: germline.

Ambry Genetics
Classification: Uncertain significance for Inborn genetic diseases. Last evaluated: 2025-03-04. Review status: criteria provided, single submitter. Criteria: Ambry Variant Classification Scheme 2023. Collection method: clinical testing. Allele origin: germline.

CeGaT Center for Human Genetics Tuebingen
Classification: Likely benign. Last evaluated: 2022-12-01. Review status: criteria provided, single submitter. Criteria: CeGaT Center For Human Genetics Tuebingen Variant Classification Criteria Version 2. Collection method: clinical testing. Allele origin: germline. Affected: yes. Observed: 1 variant allele.
Comment: IL2RG: BS2

Natera, Inc.
Classification: Likely benign for X-linked severe combined immunodeficiency. Last evaluated: 2021-02-02. Review status: no assertion criteria provided. Collection method: clinical testing. Allele origin: germline. Not counted in ClinVar's aggregate classification.

NM_000206.3(IL2RG):c.494T>G (p.Leu165Arg)

Gene: IL2RG (interleukin 2 receptor subunit gamma; minus strand). Cytogenetic location: Xq13.1.
Variant type: single nucleotide variant.
Coding change: c.494T>G on transcript NM_000206.3 (MANE Select); coding-DNA position 494, T replaced by G.
Protein change: p.Leu165Arg; replaces leucine 165 with arginine.
Molecular consequence: missense variant.
Genome position (GRCh38, 1-based): chrX:71,110,256, A>C on the plus strand (T>G on the coding strand, the complement: IL2RG is on the minus strand). VCF-style: chrX-71110256-A-C. GRCh37 (hg19) VCF-style: chrX-70330106-A-C.
Other names: short protein forms L165R.
Identifiers: ClinVar variation 763296 (VCV000763296.38), dbSNP rs758693125, ClinGen allele CA10443860.